The following is an entry in ClinVar:

ClinVar aggregate classification (germline): Uncertain significance (1 of 4 stars; one submission).

Allele frequency attached by ClinVar (database versions not stated): gnomAD exomes below 0.00001.
gnomAD v4.1: 2 of 1,158,705 alleles (0.00017%); highest among the groups gnomAD compares: Non-Finnish European, 0.00024%; no homozygotes.

Submission:

GeneDx
Classification: Uncertain significance. Last evaluated: 2019-06-26. Review status: criteria provided, single submitter. Criteria: GeneDx Variant Classification Process June 2021. Collection method: clinical testing. Allele origin: germline. Affected: yes.
Comment: Not observed in large population cohorts (Lek et al., 2016); In silico analysis, which includes protein predictors and evolutionary conservation, supports a deleterious effect; Has not been previously published as pathogenic or benign to our knowledge

NM_001367721.1(CASK):c.836G>A (p.Arg279Gln)

Gene: CASK (calcium/calmodulin dependent serine protein kinase; minus strand). Cytogenetic location: Xp11.4.
Variant type: single nucleotide variant.
Coding change: c.836G>A on transcript NM_001367721.1 (MANE Select); coding-DNA position 836, G replaced by A.
Protein change: p.Arg279Gln; replaces arginine 279 with glutamine.
Molecular consequence: missense variant.
Genome position (GRCh38, 1-based): chrX:41,636,657, C>T on the plus strand (G>A on the coding strand, the complement: CASK is on the minus strand). VCF-style: chrX-41636657-C-T. GRCh37 (hg19) VCF-style: chrX-41495910-C-T.
Other names: c.836G>A, p.Arg279Gln (NM_001126054.3, NM_001126055.3, NM_001410745.1 and 1 more transcripts); short protein forms R279Q.
Identifiers: ClinVar variation 1306364 (VCV001306364.2), dbSNP rs2066559589, ClinGen allele CA412994734.